The following is an entry in ClinVar:

NM_032634.4(PIGO):c.272C>G (p.Pro91Arg)

Gene: PIGO (phosphatidylinositol glycan anchor biosynthesis class O; minus strand). Cytogenetic location: 9p13.3.
Variant type: single nucleotide variant.
Coding change: c.272C>G on transcript NM_032634.4 (MANE Select); coding-DNA position 272, C replaced by G.
Protein change: p.Pro91Arg; replaces proline 91 with arginine.
Molecular consequence: missense variant.
Genome position (GRCh38, 1-based): chr9:35,095,294, G>C on the plus strand (C>G on the coding strand, the complement: PIGO is on the minus strand). VCF-style: chr9-35095294-G-C. GRCh37 (hg19) VCF-style: chr9-35095291-G-C.
Other names: c.272C>G, p.Pro91Arg (NM_001201484.2, NM_152850.4); short protein forms P91R.
Identifiers: ClinVar variation 914362 (VCV000914362.10), dbSNP rs995820474, ClinGen allele CA192716632.

ClinVar aggregate classification (germline): Uncertain significance. Review status: criteria provided, multiple submitters, no conflicts (2 of 4 stars). 3 submissions from 3 submitters: Uncertain significance (3). Last evaluated 2025-08-24.

Conditions:
Inborn genetic diseases. Identifiers: MedGen C0950123, MeSH D030342.
Hyperphosphatasia with impaired intellectual development syndrome 2. Also called: GLYCOSYLPHOSPHATIDYLINOSITOL BIOSYNTHESIS DEFECT 6; Hyperphosphatasia with intellectual disability syndrome 2. Identifiers: Orphanet 247262, MedGen C3553637, MONDO:0013882, OMIM 614749.

Allele frequency attached by ClinVar (database versions not stated): gnomAD 0.00001; gnomAD exomes 0.00001; TOPMed 0.00001.
gnomAD v4.1: 21 of 1,614,078 alleles (0.0013%); highest among the groups gnomAD compares: Admixed American, 0.0033%; no homozygotes.

Submissions (3):

Ambry Genetics
Classification: Uncertain significance for Inborn genetic diseases. Last evaluated: 2025-08-24. Review status: criteria provided, single submitter. Criteria: Ambry Variant Classification Scheme 2023. Collection method: clinical testing. Allele origin: germline.

Labcorp Genetics (formerly Invitae), Labcorp
Classification: Uncertain significance for Hyperphosphatasia with impaired intellectual development syndrome 2. Last evaluated: 2024-11-11. Review status: criteria provided, single submitter. Criteria: Invitae Variant Classification Sherloc (09022015). Collection method: clinical testing. Allele origin: germline.
Comment: This sequence change replaces proline, which is neutral and non-polar, with arginine, which is basic and polar, at codon 91 of the PIGO protein (p.Pro91Arg). This variant is present in population databases (no rsID available, gnomAD 0.1%). This variant has not been reported in the literature in individuals affected with PIGO-related conditions. ClinVar contains an entry for this variant (Variation ID: 914362). Invitae Evidence Modeling of protein sequence and biophysical properties (such as structural, functional, and spatial information, amino acid conservation, physicochemical variation, residue mobility, and thermodynamic stability) indicates that this missense variant is not expected to disrupt PIGO protein function with a negative predictive value of 95%. In summary, the available evidence is currently insufficient to determine the role of this variant in disease. Therefore, it has been classified as a Variant of Uncertain Significance.

Illumina Laboratory Services, Illumina
Classification: Uncertain significance for Hyperphosphatasia with impaired intellectual development syndrome 2. Last evaluated: 2018-01-13. Review status: criteria provided, single submitter. Criteria: ICSL Variant Classification Criteria 13 December 2019. Collection method: clinical testing. Allele origin: germline.